The following is an entry in ClinVar:

ClinVar aggregate classification (germline): Uncertain significance (1 of 4 stars; one submission).

Conditions:
Familial cancer of breast. Also called: hereditary breast carcinoma; BREAST CANCER, FAMILIAL; Hereditary breast cancer. Identifiers: Orphanet 227535, MedGen C0346153, MONDO:0016419, OMIM 114480. Disease mechanism: loss of function.

Submission:

Labcorp Genetics (formerly Invitae), Labcorp
Classification: Uncertain significance for Familial cancer of breast. Last evaluated: 2023-03-18. Review status: criteria provided, single submitter. Criteria: Invitae Variant Classification Sherloc (09022015). Collection method: clinical testing. Allele origin: germline.
Comment: In summary, the available evidence is currently insufficient to determine the role of this variant in disease. Therefore, it has been classified as a Variant of Uncertain Significance. Advanced modeling of protein sequence and biophysical properties (such as structural, functional, and spatial information, amino acid conservation, physicochemical variation, residue mobility, and thermodynamic stability) performed at Invitae indicates that this missense variant is not expected to disrupt PALB2 protein function. This variant has not been reported in the literature in individuals affected with PALB2-related conditions. This variant is not present in population databases (gnomAD no frequency). This sequence change replaces aspartic acid, which is acidic and polar, with alanine, which is neutral and non-polar, at codon 360 of the PALB2 protein (p.Asp360Ala).

NM_024675.4(PALB2):c.1079A>C (p.Asp360Ala)

Gene: PALB2 (partner and localizer of BRCA2; minus strand). Cytogenetic location: 16p12.2.
Variant type: single nucleotide variant.
Coding change: c.1079A>C on transcript NM_024675.4 (MANE Select); coding-DNA position 1079, A replaced by C.
Protein change: p.Asp360Ala; replaces aspartic acid 360 with alanine.
Molecular consequence: missense variant. On other transcripts: intron variant (3).
Genome position (GRCh38, 1-based): chr16:23,635,467, T>G on the plus strand (A>C on the coding strand, the complement: PALB2 is on the minus strand). VCF-style: chr16-23635467-T-G. GRCh37 (hg19) VCF-style: chr16-23646788-T-G.
Other names: c.1019A>C, p.Asp340Ala (NM_001407296.1); c.1079A>C, p.Asp360Ala (NM_001407297.1, NM_001407298.1, NM_001407299.1 and 3 more transcripts); c.194A>C, p.Asp65Ala (NM_001407304.1, NM_001407305.1, NM_001407306.1 and 5 more transcripts); c.48+5643A>C (NM_001407314.1); c.-104-4998A>C (NM_001407313.1, NM_001407312.1); short protein forms D340A, D65A, D360A.
Identifiers: ClinVar variation 2846873 (VCV002846873.3), dbSNP rs876659751, ClinGen allele CA395133948.